The following is an entry in ClinVar:

ClinVar aggregate classification (germline): Pathogenic (1 of 4 stars; one submission).

Submission:

Labcorp Genetics (formerly Invitae), Labcorp
Classification: Pathogenic. Last evaluated: 2025-09-09. Review status: criteria provided, single submitter. Criteria: Invitae Variant Classification Sherloc (09022015). Collection method: clinical testing. Allele origin: germline.
Comment: This sequence change creates a premature translational stop signal (p.Leu919Profs*21) in the POLE gene. It is expected to result in an absent or disrupted protein product. Loss-of-function variants in POLE are known to be pathogenic (PMID: 23230001, 25948378, 30503519). This variant is not present in population databases (gnomAD no frequency). This variant has not been reported in the literature in individuals affected with POLE-related conditions. For these reasons, this variant has been classified as Pathogenic.

Literature cited by the submitters: PubMed 23230001; PubMed 25948378; PubMed 30503519.

NM_006231.4(POLE):c.2756_2759del (p.Leu919fs)

Gene: POLE (DNA polymerase epsilon, catalytic subunit; minus strand). Cytogenetic location: 12q24.33.
Variant type: Microsatellite.
Coding change: c.2756_2759del on transcript NM_006231.4 (MANE Select); coding-DNA positions 2756 to 2759, 4 bases deleted (TCAC; older notation c.2756_2759delTCAC).
Protein change: p.Leu919fs; shifts the reading frame from leucine 919.
Molecular consequence: frameshift variant.
Genome position (GRCh38, 1-based): chr12:132,661,632-132,661,635, GTGA deleted on the plus strand (TCAC on the coding strand, the reverse complement: POLE is on the minus strand); deleting any 4 consecutive bases within chr12:132,661,632-132,661,640 gives the same sequence; the c. name uses the placement nearest the transcript's 3' end. VCF-style (leftmost placement, unchanged base first): chr12-132661631-GGTGA-G. GRCh37 (hg19) VCF-style: chr12-133238217-GGTGA-G.
Other names: short protein forms L919fs.
Identifiers: ClinVar variation 4808052 (VCV004808052.1).
Genomic context (GRCh38, chr12:132,661,631, plus strand): 5'-CATGGCAAGGTAGGGCCCATCAACCTCAAAAAAGATGCTGTTCTCTGAGCGGGTGACGTA[GGTGA>G]GTGAGGACGGCTCAGCCAGCTCCTGGTACTGGTCATTGGTGAAGCCTTCCTGAGAAACAA-3'